The following is an entry in ClinVar:

ClinVar aggregate classification (germline): Uncertain significance. Review status: criteria provided, multiple submitters, no conflicts (2 of 4 stars). 3 submissions from 3 submitters: Uncertain significance (3). Last evaluated 2025-10-13.

Conditions:
Hereditary cancer-predisposing syndrome. Also called: Neoplastic Syndromes, Hereditary; Tumor predisposition; Hereditary neoplastic syndrome; Hereditary Cancer Syndrome. Identifiers: Orphanet 140162, MedGen C0027672, MeSH D009386, MONDO:0015356.

Allele frequency attached by ClinVar (database versions not stated): gnomAD exomes below 0.00001 and 0.00001; ExAC 0.00001; gnomAD 0.00001; TOPMed 0.00001; ESP Exome Variant Server 0.00008.
gnomAD v4.1: 4 of 1,603,628 alleles (0.00025%); highest among the groups gnomAD compares: African/African-American, 0.004%; no homozygotes.

Submissions (3):

Labcorp Genetics (formerly Invitae), Labcorp
Classification: Uncertain significance. Last evaluated: 2025-10-13. Review status: criteria provided, single submitter. Criteria: Invitae Variant Classification Sherloc (09022015). Collection method: clinical testing. Allele origin: germline.
Comment: This sequence change replaces histidine, which is basic and polar, with arginine, which is basic and polar, at codon 684 of the POLE protein (p.His684Arg). This variant is present in population databases (rs369127106, gnomAD 0.01%). This variant has not been reported in the literature in individuals affected with POLE-related conditions. ClinVar contains an entry for this variant (Variation ID: 566531). Invitae Evidence Modeling of protein sequence and biophysical properties (such as structural, functional, and spatial information, amino acid conservation, physicochemical variation, residue mobility, and thermodynamic stability) indicates that this missense variant is not expected to disrupt POLE protein function with a negative predictive value of 80%. In summary, the available evidence is currently insufficient to determine the role of this variant in disease. Therefore, it has been classified as a Variant of Uncertain Significance.

Ambry Genetics
Classification: Uncertain significance for Hereditary cancer-predisposing syndrome. Last evaluated: 2025-08-08. Review status: criteria provided, single submitter. Criteria: Ambry Variant Classification Scheme 2023. Collection method: clinical testing. Allele origin: germline.
Comment: The p.H684R variant (also known as c.2051A>G), located in coding exon 19 of the POLE gene, results from an A to G substitution at nucleotide position 2051. The histidine at codon 684 is replaced by arginine, an amino acid with highly similar properties. This amino acid position is conserved. In addition, the in silico prediction for this alteration is inconclusive. Since supporting evidence is limited at this time, the clinical significance of this alteration remains unclear.

GeneDx
Classification: Uncertain significance. Last evaluated: 2024-05-05. Review status: criteria provided, single submitter. Criteria: GeneDx Variant Classification Process June 2021. Collection method: clinical testing. Allele origin: germline. Affected: yes.
Comment: Not observed at significant frequency in large population cohorts (gnomAD); In silico analysis indicates that this missense variant does not alter protein structure/function; Has not been previously published as pathogenic or benign to our knowledge; This variant is associated with the following publications: (PMID: 20951805)

NM_006231.4(POLE):c.2051A>G (p.His684Arg)

Gene: POLE (DNA polymerase epsilon, catalytic subunit; minus strand). Cytogenetic location: 12q24.33.
Variant type: single nucleotide variant.
Coding change: c.2051A>G on transcript NM_006231.4 (MANE Select); coding-DNA position 2051, A replaced by G.
Protein change: p.His684Arg; replaces histidine 684 with arginine.
Molecular consequence: missense variant.
Genome position (GRCh38, 1-based): chr12:132,668,478, T>C on the plus strand (A>G on the coding strand, the complement: POLE is on the minus strand). VCF-style: chr12-132668478-T-C. GRCh37 (hg19) VCF-style: chr12-133245064-T-C.
Other names: c.2051A>G (NM_006231.2); short protein forms H684R.
Identifiers: ClinVar variation 566531 (VCV000566531.15), dbSNP rs369127106, ClinGen allele CA6893697.